The following is an entry in ClinVar:

NM_001105206.3(LAMA4):c.4821+1G>A

Gene: LAMA4 (laminin subunit alpha 4; minus strand). Cytogenetic location: 6q21.
Variant type: single nucleotide variant.
Coding change: c.4821+1G>A on transcript NM_001105206.3 (MANE Select); the canonical splice donor site of the intron after coding-DNA position 4821, G replaced by A.
Molecular consequence: splice donor variant.
Genome position (GRCh38, 1-based): chr6:112,119,155, C>T on the plus strand (G>A on the coding strand, the complement: LAMA4 is on the minus strand). VCF-style: chr6-112119155-C-T. GRCh37 (hg19) VCF-style: chr6-112440358-C-T.
Other names: c.4800+1G>A (NM_002290.5, NM_001105207.3).
Identifiers: ClinVar variation 2701525 (VCV002701525.3), dbSNP rs1778199303, ClinGen allele CA365367278.

ClinVar aggregate classification (germline): Uncertain significance (1 of 4 stars; one submission).

Conditions:
Dilated cardiomyopathy 1JJ (CMD1JJ). Identifiers: Orphanet 154, MedGen C3808935, MONDO:0014095, OMIM 615235.

Submission:

Labcorp Genetics (formerly Invitae), Labcorp
Classification: Uncertain significance for Dilated cardiomyopathy 1JJ. Last evaluated: 2023-12-09. Review status: criteria provided, single submitter. Criteria: Invitae Variant Classification Sherloc (09022015). Collection method: clinical testing. Allele origin: germline.
Comment: This sequence change affects a donor splice site in intron 34 of the LAMA4 gene. It is expected to disrupt RNA splicing. Variants that disrupt the donor or acceptor splice site typically lead to a loss of protein function (PMID: 16199547), however the current clinical and genetic evidence is not sufficient to establish whether loss-of-function variants in LAMA4 cause disease. This variant is not present in population databases (gnomAD no frequency). This variant has not been reported in the literature in individuals affected with LAMA4-related conditions. Algorithms developed to predict the effect of sequence changes on RNA splicing suggest that this variant may disrupt the consensus splice site. In summary, the available evidence is currently insufficient to determine the role of this variant in disease. Therefore, it has been classified as a Variant of Uncertain Significance.

Literature cited by the submitters: PubMed 16199547.